The following is an entry in ClinVar:

NM_022436.3(ABCG5):c.144-1G>A

Gene: ABCG5 (ATP binding cassette subfamily G member 5; minus strand). Cytogenetic location: 2p21.
Variant type: single nucleotide variant.
Coding change: c.144-1G>A on transcript NM_022436.3 (MANE Select); the canonical splice acceptor site of the intron before coding-DNA position 144, G replaced by A.
Molecular consequence: splice acceptor variant.
Genome position (GRCh38, 1-based): chr2:43,837,956, C>T on the plus strand (G>A on the coding strand, the complement: ABCG5 is on the minus strand). VCF-style: chr2-43837956-C-T. GRCh37 (hg19) VCF-style: chr2-44065095-C-T.
Identifiers: ClinVar variation 3720321 (VCV003720321.2).

ClinVar aggregate classification (germline): Pathogenic (1 of 4 stars; one submission).

Conditions:
Sitosterolemia (STSL). Also called: PHYTOSTEROLEMIA. Identifiers: Orphanet 2882, MedGen C0342907, MONDO:0008863.

Submission:

Labcorp Genetics (formerly Invitae), Labcorp
Classification: Pathogenic for Sitosterolemia. Last evaluated: 2025-03-25. Review status: criteria provided, single submitter. Criteria: Invitae Variant Classification Sherloc (09022015). Collection method: clinical testing. Allele origin: germline.
Comment: This sequence change affects an acceptor splice site in intron 1 of the ABCG5 gene. It is expected to disrupt RNA splicing. Variants that disrupt the donor or acceptor splice site typically lead to a loss of protein function (PMID: 16199547), and loss-of-function variants in ABCG5 are known to be pathogenic (PMID: 11138003, 25665839). This variant is not present in population databases (gnomAD no frequency). Disruption of this splice site has been observed in individual(s) with sitosterolemia (PMID: 26892138). In at least one individual the data is consistent with being in trans (on the opposite chromosome) from a pathogenic variant. It has also been observed to segregate with disease in related individuals. Algorithms developed to predict the effect of sequence changes on RNA splicing suggest that this variant may disrupt the consensus splice site. For these reasons, this variant has been classified as Pathogenic.

Literature cited by the submitters: PubMed 16199547; PubMed 11138003; PubMed 25665839; PubMed 26892138.